The following is an entry in ClinVar:

ClinVar aggregate classification (germline): Likely pathogenic (1 of 4 stars; one submission).

Submission:

GeneDx
Classification: Likely pathogenic. Last evaluated: 2026-10-07. Review status: criteria provided, single submitter. Criteria: GeneDx Variant Classification Process June 2021. Collection method: clinical testing. Allele origin: germline.
Comment: Observed in large aggregate dataset examining de novo variants in patients with various developmental disorders (PMID: 33057194, 35982159, 38958063); Not observed at significant frequency in large population cohorts (gnomAD); In silico analysis supports that this missense variant has a deleterious effect on protein structure/function; This variant is associated with the following publications: (PMID: 33057194, 38958063, 35982159)

NM_000814.6(GABRB3):c.881G>C (p.Arg294Pro)

Gene: GABRB3 (gamma-aminobutyric acid type A receptor subunit beta3; minus strand). Cytogenetic location: 15q12.
Variant type: single nucleotide variant.
Coding change: c.881G>C on transcript NM_000814.6 (MANE Select); coding-DNA position 881, G replaced by C.
Protein change: p.Arg294Pro; replaces arginine 294 with proline.
Molecular consequence: missense variant.
Genome position (GRCh38, 1-based): chr15:26,561,131, C>G on the plus strand (G>C on the coding strand, the complement: GABRB3 is on the minus strand). VCF-style: chr15-26561131-C-G. GRCh37 (hg19) VCF-style: chr15-26806278-C-G.
Other names: c.626G>C, p.Arg209Pro (NM_001191320.2, NM_001278631.2); c.668G>C, p.Arg223Pro (NM_001191321.3); c.881G>C, p.Arg294Pro (NM_021912.5); short protein forms R294P, R209P, R223P.
Identifiers: ClinVar variation 427205 (VCV000427205.3), dbSNP rs1085308023, ClinGen allele CA391462257.